The following is an entry in ClinVar:

NM_000059.4(BRCA2):c.1773T>G (p.Ile591Met)

Gene: BRCA2 (BRCA2 DNA repair associated; plus strand). Cytogenetic location: 13q13.1.
Variant type: single nucleotide variant.
Coding change: c.1773T>G on transcript NM_000059.4 (MANE Select); coding-DNA position 1773, T replaced by G.
Protein change: p.Ile591Met; replaces isoleucine 591 with methionine.
Molecular consequence: missense variant. On other transcripts: non-coding transcript variant (1), intron variant (1).
Genome position (GRCh38, 1-based): chr13:32,333,251, T>G. VCF-style: chr13-32333251-T-G. GRCh37 (hg19) VCF-style: chr13-32907388-T-G.
Other names: c.1773T>G, p.Ile591Met (NM_001406719.1, NM_001406720.1, NM_001406721.1); c.424+2221T>G (NM_001406722.1); short protein forms I591M.
Identifiers: ClinVar variation 2735634 (VCV002735634.3), dbSNP rs2137474728, ClinGen allele CA387765642.

ClinVar aggregate classification (germline): Uncertain significance (1 of 4 stars; one submission).

Conditions:
Hereditary breast ovarian cancer syndrome. Also called: BRCA1- and BRCA2-Associated Hereditary Breast and Ovarian Cancer; Hereditary breast and/or ovarian cancer syndrome; Hereditary breast and ovarian cancer; Hereditary breast and ovarian cancer syndrome (HBOC); Breast and ovarian cancer; Hereditary breast and ovarian cancer syndrome. Identifiers: Orphanet 145, MedGen C0677776, MeSH D061325, MONDO:0003582. Disease mechanism: loss of function.

Submission:

Labcorp Genetics (formerly Invitae), Labcorp
Classification: Uncertain significance for Hereditary breast ovarian cancer syndrome. Last evaluated: 2023-07-03. Review status: criteria provided, single submitter. Criteria: Invitae Variant Classification Sherloc (09022015). Collection method: clinical testing. Allele origin: germline.
Comment: This variant has not been reported in the literature in individuals affected with BRCA2-related conditions. In summary, the available evidence is currently insufficient to determine the role of this variant in disease. Therefore, it has been classified as a Variant of Uncertain Significance. Advanced modeling of protein sequence and biophysical properties (such as structural, functional, and spatial information, amino acid conservation, physicochemical variation, residue mobility, and thermodynamic stability) performed at Invitae indicates that this missense variant is not expected to disrupt BRCA2 protein function. This variant is not present in population databases (gnomAD no frequency). This sequence change replaces isoleucine, which is neutral and non-polar, with methionine, which is neutral and non-polar, at codon 591 of the BRCA2 protein (p.Ile591Met).